The following is an entry in ClinVar:

NM_001197104.2(KMT2A):c.7416G>C (p.Leu2472Phe)

Gene: KMT2A (lysine methyltransferase 2A; plus strand). Cytogenetic location: 11q23.3.
Variant type: single nucleotide variant.
Coding change: c.7416G>C on transcript NM_001197104.2 (MANE Select); coding-DNA position 7416, G replaced by C.
Protein change: p.Leu2472Phe; replaces leucine 2472 with phenylalanine.
Molecular consequence: missense variant.
Genome position (GRCh38, 1-based): chr11:118,503,308, G>C. VCF-style: chr11-118503308-G-C. GRCh37 (hg19) VCF-style: chr11-118374023-G-C.
Other names: c.7506G>C, p.Leu2502Phe (NM_001412597.1); c.7407G>C, p.Leu2469Phe (NM_005933.4); short protein forms L2469F, L2472F, L2502F.
Identifiers: ClinVar variation 3769379 (VCV003769379.2).

ClinVar aggregate classification (germline): Uncertain significance (1 of 4 stars; one submission).

gnomAD v4.1: 3 of 1,613,976 alleles (0.00019%); highest among the groups gnomAD compares: African/African-American, 0.004%; no homozygotes.

Submission:

Women's Health and Genetics/Laboratory Corporation of America, LabCorp
Classification: Uncertain significance. Last evaluated: 2025-01-28. Review status: criteria provided, single submitter. Criteria: LabCorp Variant Classification Summary - May 2015. Collection method: clinical testing. Allele origin: germline.
Comment: Variant summary: KMT2A c.7416G>C (p.Leu2472Phe) results in a non-conservative amino acid change in the encoded protein sequence. Four of five in-silico tools predict a benign effect of the variant on protein function. The variant was absent in 251454 control chromosomes (gnomAD). The available data on variant occurrences in the general population are insufficient to allow any conclusion about variant significance. To our knowledge, no occurrence of c.7416G>C in individuals affected with Wiedemann-Steiner Syndrome and no experimental evidence demonstrating its impact on protein function have been reported. No submitters have cited clinical-significance assessments for this variant to ClinVar. Based on the evidence outlined above, the variant was classified as uncertain significance.